The following is an entry in ClinVar:

ClinVar aggregate classification (germline): Likely benign (0 of 4 stars; one submission).

Conditions:
DOK7-related disorder. Also called: DOK7-related condition.

Allele frequency attached by ClinVar (database versions not stated): ExAC 0.00008.
gnomAD v4.1: 92 of 1,535,826 alleles (0.006%); highest among the groups gnomAD compares: Admixed American, 0.0039%; no homozygotes.

Submission:

PreventionGenetics, part of Exact Sciences
Classification: Likely benign for DOK7-related condition. Last evaluated: 2019-04-16. Review status: no assertion criteria provided. Collection method: clinical testing. Allele origin: germline.
Comment: This variant is classified as likely benign based on ACMG/AMP sequence variant interpretation guidelines (Richards et al. 2015 PMID: 25741868, with internal and published modifications).

NM_001301071.2(DOK7):c.1587G>A (p.Pro529=)

Gene: DOK7 (docking protein 7; plus strand). Cytogenetic location: 4p16.3.
Variant type: single nucleotide variant.
Coding change: c.1587G>A on transcript NM_001301071.2; coding-DNA position 1587, G replaced by A.
Protein change: p.Pro529=; no amino-acid change (proline 529 retained).
Molecular consequence: synonymous variant.
Genome position (GRCh38, 1-based): chr4:3,500,297, G>A. VCF-style: chr4-3500297-G-A. GRCh37 (hg19) VCF-style: chr4-3502024-G-A.
Other names: c.1155G>A, p.Pro385= (NM_001363811.2).
Identifiers: ClinVar variation 3058685 (VCV003058685.2), dbSNP rs767865277, ClinGen allele CA2829619.